The following is an entry in ClinVar:

NC_000014.8:g.(?_64481620)_(64489461_?)del

Gene: SYNE2 (spectrin repeat containing nuclear envelope protein 2; plus strand). Cytogenetic location: 14q23.2.
Variant type: Deletion.
Identifiers: ClinVar variation 2427605 (VCV002427605.4).

ClinVar aggregate classification (germline): Uncertain significance (1 of 4 stars; one submission).

Conditions:
Emery-Dreifuss muscular dystrophy 5, autosomal dominant (EDMD5). Also called: EMERY-DREIFUSS MUSCULAR DYSTROPHY 5. Identifiers: Orphanet 261, MedGen C2751805, MONDO:0013072, OMIM 612999.

Submission:

Labcorp Genetics (formerly Invitae), Labcorp
Classification: Uncertain significance for Emery-Dreifuss muscular dystrophy 5, autosomal dominant. Last evaluated: 2022-03-23. Review status: criteria provided, single submitter. Criteria: Invitae Variant Classification Sherloc (09022015). Collection method: clinical testing. Allele origin: germline.
Comment: In summary, the available evidence is currently insufficient to determine the role of this variant in disease. Therefore, it has been classified as a Variant of Uncertain Significance. This variant has not been reported in the literature in individuals affected with SYNE2-related conditions. This variant is a gross deletion of the genomic region encompassing exon(s) 33-37 of the SYNE2 gene. This deletion is out-of-frame, and is expected to create a premature translational stop signal and result in an absent or disrupted protein product. However, the current clinical and genetic evidence is not sufficient to establish whether loss-of-function variants in SYNE2 cause disease.